The following is an entry in ClinVar:

NM_013254.4(TBK1):c.1443-1G>T

Gene: TBK1 (TANK binding kinase 1; plus strand). Cytogenetic location: 12q14.2.
Variant type: single nucleotide variant.
Coding change: c.1443-1G>T on transcript NM_013254.4 (MANE Select); the canonical splice acceptor site of the intron before coding-DNA position 1443, G replaced by T.
Molecular consequence: splice acceptor variant.
Genome position (GRCh38, 1-based): chr12:64,490,040, G>T. VCF-style: chr12-64490040-G-T. GRCh37 (hg19) VCF-style: chr12-64883820-G-T.
Identifiers: ClinVar variation 2016784 (VCV002016784.4), dbSNP rs2539525878, ClinGen allele CA385602681.
Genomic context (GRCh38, chr12:64,490,040, plus strand): 5'-TCTTTTTAAAACTATGTATTGATTATACTCATTTAATTTTCTCTTTTGACTTTTCATACA[G>T]ATATGAAAAGTTGATGAAGATCAACCTGGAAGCGGCAGAGTTAGGTGAAATTTCAGACAT-3'

ClinVar aggregate classification (germline): Likely pathogenic (1 of 4 stars; one submission).

Conditions:
Frontotemporal dementia and/or amyotrophic lateral sclerosis 4. Also called: FTDALS4. Identifiers: Orphanet 275872, MedGen C4225325, MONDO:0014641, OMIM 616439.

Submission:

Labcorp Genetics (formerly Invitae), Labcorp
Classification: Likely pathogenic for Frontotemporal dementia and/or amyotrophic lateral sclerosis 4. Last evaluated: 2022-07-13. Review status: criteria provided, single submitter. Criteria: Invitae Variant Classification Sherloc (09022015). Collection method: clinical testing. Allele origin: germline.
Comment: This sequence change affects an acceptor splice site in intron 12 of the TBK1 gene. It is expected to disrupt RNA splicing. Variants that disrupt the donor or acceptor splice site typically lead to a loss of protein function (PMID: 16199547), and loss-of-function variants in TBK1 are known to be pathogenic (PMID: 25803835, 26476236, 26581300). This variant is not present in population databases (gnomAD no frequency). This variant has not been reported in the literature in individuals affected with TBK1-related conditions. Algorithms developed to predict the effect of sequence changes on RNA splicing suggest that this variant may disrupt the consensus splice site. In summary, the currently available evidence indicates that the variant is pathogenic, but additional data are needed to prove that conclusively. Therefore, this variant has been classified as Likely Pathogenic.

Literature cited by the submitters: PubMed 16199547; PubMed 25803835; PubMed 26476236; PubMed 26581300.